The following is an entry in ClinVar:

NM_003060.4(SLC22A5):c.208C>T (p.Arg70Trp)

Gene: SLC22A5 (solute carrier family 22 member 5; plus strand). Cytogenetic location: 5q31.1.
Variant type: single nucleotide variant.
Coding change: c.208C>T on transcript NM_003060.4 (MANE Select); coding-DNA position 208, C replaced by T.
Protein change: p.Arg70Trp; replaces arginine 70 with tryptophan.
Molecular consequence: missense variant.
Genome position (GRCh38, 1-based): chr5:132,370,180, C>T. VCF-style: chr5-132370180-C-T. GRCh37 (hg19) VCF-style: chr5-131705872-C-T.
Other names: c.208C>T, p.Arg70Trp (NM_001308122.2); short protein forms R70W.
Identifiers: ClinVar variation 529849 (VCV000529849.11), dbSNP rs753453677, ClinGen allele CA3403811.

ClinVar aggregate classification (germline): Uncertain significance. Review status: criteria provided, multiple submitters, no conflicts (2 of 4 stars). 3 submissions from 3 submitters: Uncertain significance (2). 1 of the submissions does not count toward it. Last evaluated 2021-09-01.

Conditions:
Renal carnitine transport defect (CDSP). Also called: CARNITINE DEFICIENCY, SYSTEMIC, DUE TO DEFECT IN RENAL REABSORPTION OF CARNITINE; Carnitine transporter deficiency; Primary carnitine deficiency; Systemic primary carnitine deficiency; Systemic primary carnitine deficiency disease; CARNITINE TRANSPORTER, PLASMA-MEMBRANE, DEFICIENCY OF. Identifiers: Orphanet 158, MedGen C0342788, MONDO:0008919, OMIM 212140.
Decreased circulating carnitine concentration. Also called: Decreased plasma carnitine. Identifiers: MedGen C5848230, HP:0003234.

Allele frequency attached by ClinVar (database versions not stated): gnomAD exomes below 0.00001; ExAC 0.00001; TOPMed 0.00001; gnomAD 0.00002.
gnomAD v4.1: 4 of 1,600,722 alleles (0.00025%); highest among the groups gnomAD compares: African/African-American, 0.0054%; no homozygotes.

Submissions (3):

Labcorp Genetics (formerly Invitae), Labcorp
Classification: Uncertain significance for Renal carnitine transport defect. Last evaluated: 2021-09-01. Review status: criteria provided, single submitter. Criteria: Invitae Variant Classification Sherloc (09022015). Collection method: clinical testing. Allele origin: germline.
Comment: This sequence change replaces arginine with tryptophan at codon 70 of the SLC22A5 protein (p.Arg70Trp). The arginine residue is weakly conserved and there is a moderate physicochemical difference between arginine and tryptophan. The frequency data for this variant in the population databases is considered unreliable, as metrics indicate poor data quality at this position in the ExAC database. This variant has not been reported in the literature in individuals affected with SLC22A5-related conditions. Algorithms developed to predict the effect of missense changes on protein structure and function are either unavailable or do not agree on the potential impact of this missense change (SIFT: "Deleterious"; PolyPhen-2: "Benign"; Align-GVGD: "Class C0"). In summary, the available evidence is currently insufficient to determine the role of this variant in disease. Therefore, it has been classified as a Variant of Uncertain Significance.

Fulgent Genetics
Classification: Uncertain significance for Renal carnitine transport defect. Last evaluated: 2021-07-05. Review status: criteria provided, single submitter. Criteria: ACMG Guidelines, 2015. Collection method: clinical testing. Allele origin: unknown.

Natera, Inc.
Classification: Uncertain significance for Carnitine deficiency. Last evaluated: 2021-04-16. Review status: no assertion criteria provided. Collection method: clinical testing. Allele origin: germline. Not counted in ClinVar's aggregate classification.